The following is an entry in ClinVar:

ClinVar aggregate classification (germline): Uncertain significance. Review status: criteria provided, multiple submitters, no conflicts (2 of 4 stars). 2 submissions from 2 submitters: Uncertain significance (2). Last evaluated 2025-04-04.

gnomAD v4.1: 10 of 1,614,040 alleles (0.00062%); highest among the groups gnomAD compares: African/African-American, 0.0027%; no homozygotes.

Submissions (2):

Ambry Genetics
Classification: Uncertain significance. Last evaluated: 2025-04-04. Review status: criteria provided, single submitter. Criteria: Ambry Variant Classification Scheme 2023. Collection method: clinical testing. Allele origin: germline.

Labcorp Genetics (formerly Invitae), Labcorp
Classification: Uncertain significance. Last evaluated: 2024-01-12. Review status: criteria provided, single submitter. Criteria: Invitae Variant Classification Sherloc (09022015). Collection method: clinical testing. Allele origin: germline.
Comment: This sequence change replaces glycine, which is neutral and non-polar, with arginine, which is basic and polar, at codon 15 of the SLC22A4 protein (p.Gly15Arg). This variant is not present in population databases (gnomAD no frequency). This variant has not been reported in the literature in individuals affected with SLC22A4-related conditions. Advanced modeling of protein sequence and biophysical properties (such as structural, functional, and spatial information, amino acid conservation, physicochemical variation, residue mobility, and thermodynamic stability) performed at Invitae indicates that this missense variant is expected to disrupt SLC22A4 protein function with a positive predictive value of 80%. In summary, the available evidence is currently insufficient to determine the role of this variant in disease. Therefore, it has been classified as a Variant of Uncertain Significance.

NM_003059.3(SLC22A4):c.43G>A (p.Gly15Arg)

Gene: SLC22A4 (solute carrier family 22 member 4; plus strand). Cytogenetic location: 5q31.1.
Variant type: single nucleotide variant.
Coding change: c.43G>A on transcript NM_003059.3 (MANE Select); coding-DNA position 43, G replaced by A.
Protein change: p.Gly15Arg; replaces glycine 15 with arginine.
Molecular consequence: missense variant.
Genome position (GRCh38, 1-based): chr5:132,294,659, G>A. VCF-style: chr5-132294659-G-A. GRCh37 (hg19) VCF-style: chr5-131630352-G-A.
Other names: c.43G>A (NM_003059.2); short protein forms G15R.
Identifiers: ClinVar variation 2887893 (VCV002887893.4), dbSNP rs1325651731, ClinGen allele CA360811685.